The following is an entry in ClinVar:

ClinVar aggregate classification (germline): Uncertain significance (1 of 4 stars; one submission).

Conditions:
Cardiovascular phenotype. Identifiers: MedGen CN230736.

Submission:

Ambry Genetics
Classification: Uncertain significance for Cardiovascular phenotype. Last evaluated: 2026-01-06. Review status: criteria provided, single submitter. Criteria: Ambry Variant Classification Scheme 2023. Collection method: clinical testing. Allele origin: germline.
Comment: The c.3822delG variant, located in coding exon 34 of the MYBPC3 gene, results from a deletion of one nucleotide at nucleotide position 3822, causing a translational frameshift with a predicted alternate stop codon (p.Q1274Hfs*57). This alteration occurs at the 3' terminus of the gene, is not expected to trigger nonsense-mediated mRNAdecay and results in the elongation of the protein by 56 amino acids. This frameshift impacts the lastamino acid of the native protein. The exact functional effect of the altered amino acids is unknown. Based on the available evidence, the clinical significance of this variant remains unclear.

NM_000256.3(MYBPC3):c.3822del (p.Gln1274fs)

Gene: MYBPC3 (myosin binding protein C3; minus strand). Cytogenetic location: 11p11.2.
Variant type: Deletion.
Coding change: c.3822del on transcript NM_000256.3 (MANE Select); coding-DNA position 3822, one base deleted (G; older notation c.3822delG).
Protein change: p.Gln1274fs; shifts the reading frame from glutamine 1274.
Molecular consequence: frameshift variant.
Genome position (GRCh38, 1-based): chr11:47,331,874, C deleted on the plus strand (G on the coding strand, the reverse complement: MYBPC3 is on the minus strand). VCF-style (leftmost placement, unchanged base first): chr11-47331873-AC-A. GRCh37 (hg19) VCF-style: chr11-47353424-AC-A.
Other names: c.3822delG (NM_000256.3); short protein forms Q1274fs.
Identifiers: ClinVar variation 4841549 (VCV004841549.1).